The following is an entry in ClinVar:

NM_020856.4(TSHZ3):c.2007C>T (p.Asn669=)

Gene: TSHZ3 (teashirt zinc finger homeobox 3; minus strand). Cytogenetic location: 19q12.
Variant type: single nucleotide variant.
Coding change: c.2007C>T on transcript NM_020856.4 (MANE Select); coding-DNA position 2007, C replaced by T.
Protein change: p.Asn669=; no amino-acid change (asparagine 669 retained).
Molecular consequence: synonymous variant.
Genome position (GRCh38, 1-based): chr19:31,277,786, G>A on the plus strand (C>T on the coding strand, the complement: TSHZ3 is on the minus strand). VCF-style: chr19-31277786-G-A. GRCh37 (hg19) VCF-style: chr19-31768692-G-A.
Identifiers: ClinVar variation 3045635 (VCV003045635.2), dbSNP rs140467627, ClinGen allele CA9354156.

ClinVar aggregate classification (germline): Likely benign (0 of 4 stars; one submission).

Conditions:
TSHZ3-related disorder. Also called: TSHZ3-related condition.

Allele frequency attached by ClinVar (database versions not stated): 1000 Genomes Project 0.00040; 1000 Genomes Project 30x 0.00047; gnomAD 0.00049; gnomAD exomes 0.00073; ExAC 0.00079; ESP Exome Variant Server 0.00093.
gnomAD v4.1: 1,105 of 1,538,120 alleles (0.072%); highest among the groups gnomAD compares: South Asian, 0.21%; 2 homozygotes.

Submission:

PreventionGenetics, part of Exact Sciences
Classification: Likely benign for TSHZ3-related condition. Last evaluated: 2024-02-15. Review status: no assertion criteria provided. Collection method: clinical testing. Allele origin: germline.
Comment: This variant is classified as likely benign based on ACMG/AMP sequence variant interpretation guidelines (Richards et al. 2015 PMID: 25741868, with internal and published modifications).